The following is an entry in ClinVar:

ClinVar aggregate classification (germline): Pathogenic (1 of 4 stars; one submission).

Conditions:
Early-infantile DEE. Also called: Ohtahara syndrome; Early infantile epileptic encephalopathy; Early infantile epileptic encephalopathy with suppression bursts. Identifiers: Orphanet 1934, MedGen C0393706, MONDO:0800491.

Submission:

Labcorp Genetics (formerly Invitae), Labcorp
Classification: Pathogenic for Early-infantile DEE. Last evaluated: 2024-06-24. Review status: criteria provided, single submitter. Criteria: Invitae Variant Classification Sherloc (09022015). Collection method: clinical testing. Allele origin: germline.
Comment: This sequence change replaces serine, which is neutral and polar, with phenylalanine, which is neutral and non-polar, at codon 187 of the KCNQ2 protein (p.Ser187Phe). This variant is not present in population databases (gnomAD no frequency). This missense change has been observed in individual(s) with clinical features of KCNQ2-related conditions (PMID: 33659638). In at least one individual the variant was observed to be de novo. ClinVar contains an entry for this variant (Variation ID: 1020770). Advanced modeling of protein sequence and biophysical properties (such as structural, functional, and spatial information, amino acid conservation, physicochemical variation, residue mobility, and thermodynamic stability) performed at Invitae indicates that this missense variant is expected to disrupt KCNQ2 protein function with a positive predictive value of 95%. For these reasons, this variant has been classified as Pathogenic.

Literature cited by the submitters: PubMed 33659638.

NM_172107.4(KCNQ2):c.560C>T (p.Ser187Phe)

Gene: KCNQ2 (potassium voltage-gated channel subfamily Q member 2; minus strand). Cytogenetic location: 20q13.33.
Variant type: single nucleotide variant.
Coding change: c.560C>T on transcript NM_172107.4 (MANE Select); coding-DNA position 560, C replaced by T.
Protein change: p.Ser187Phe; replaces serine 187 with phenylalanine.
Molecular consequence: missense variant.
Genome position (GRCh38, 1-based): chr20:63,444,789, G>A on the plus strand (C>T on the coding strand, the complement: KCNQ2 is on the minus strand). VCF-style: chr20-63444789-G-A. GRCh37 (hg19) VCF-style: chr20-62076142-G-A.
Other names: c.560C>T, p.Ser187Phe (NM_001382235.1, NM_004518.6, NM_172106.3 and 2 more transcripts); short protein forms S187F.
Identifiers: ClinVar variation 1020770 (VCV001020770.9), dbSNP rs2081363375, ClinGen allele CA409654881.